The following is an entry in ClinVar:

NM_020971.3(SPTBN4):c.1665+9G>T

Gene: SPTBN4 (spectrin beta, non-erythrocytic 4; plus strand). Cytogenetic location: 19q13.2.
Variant type: single nucleotide variant.
Coding change: c.1665+9G>T on transcript NM_020971.3 (MANE Select); 9 bases into the intron after coding-DNA position 1665, G replaced by T.
Molecular consequence: intron variant.
Genome position (GRCh38, 1-based): chr19:40,504,141, G>T. VCF-style: chr19-40504141-G-T. GRCh37 (hg19) VCF-style: chr19-41010048-G-T.
Identifiers: ClinVar variation 3045569 (VCV003045569.3), dbSNP rs565646625, ClinGen allele CA9445713.

ClinVar aggregate classification (germline): Likely benign. Review status: criteria provided, single submitter (1 of 4 stars). 2 submissions from 2 submitters: Likely benign (1). 1 of the submissions does not count toward it. Last evaluated 2024-11-12.

Conditions:
SPTBN4-related disorder. Also called: SPTBN4-related condition.

Allele frequency attached by ClinVar (database versions not stated): 1000 Genomes Project 0.00120.
gnomAD v4.1: 306 of 1,280,142 alleles (0.024%); highest among the groups gnomAD compares: African/African-American, 0.47%; 10 homozygotes.

Submissions (2):

Blueprint Genetics
Classification: Likely benign. Last evaluated: 2024-11-12. Review status: criteria provided, single submitter. Criteria: ACMG Guidelines, 2015. Collection method: clinical testing. Allele origin: germline.

PreventionGenetics, part of Exact Sciences
Classification: Likely benign for SPTBN4-related condition. Last evaluated: 2019-10-28. Review status: no assertion criteria provided. Collection method: clinical testing. Allele origin: germline. Not counted in ClinVar's aggregate classification.
Comment: This variant is classified as likely benign based on ACMG/AMP sequence variant interpretation guidelines (Richards et al. 2015 PMID: 25741868, with internal and published modifications).